The following is an entry in ClinVar:

ClinVar aggregate classification (germline): Uncertain significance (1 of 4 stars; one submission).

Conditions:
Focal segmental glomerulosclerosis and neurodevelopmental syndrome. Identifiers: MedGen C5561938, MONDO:0100111, OMIM 619428.

Submission:

Clinical Genetics Laboratory, University Hospital Schleswig-Holstein
Classification: Uncertain significance for Focal segmental glomerulosclerosis and neurodevelopmental syndrome. Last evaluated: 2025-10-15. Review status: criteria provided, single submitter. Criteria: ACMG Guidelines, 2015. Collection method: clinical testing. Allele origin: de novo. Affected: no. Observed: 1 heterozygote.
Comment: ACMG criteria applied: PM2, PVS1_Strong, BS4_Moderate

NM_030912.3(TRIM8):c.1229del (p.Gly410fs)

Gene: TRIM8 (tripartite motif containing 8; plus strand). Cytogenetic location: 10q24.32.
Variant type: Deletion.
Coding change: c.1229del on transcript NM_030912.3 (MANE Select); coding-DNA position 1229, one base deleted (G; older notation c.1229delG).
Protein change: p.Gly410fs; shifts the reading frame from glycine 410.
Molecular consequence: frameshift variant. On other transcripts: non-coding transcript variant (1).
Genome position (GRCh38, 1-based): chr10:102,656,927, G deleted; the last of 3 consecutive G bases (chr10:102,656,925-102,656,927); deleting any one gives the same sequence. VCF-style (leftmost placement, unchanged base first): chr10-102656924-AG-A. GRCh37 (hg19) VCF-style: chr10-104416681-AG-A.
Other names: c.1133del, p.Gly378fs (NM_001345950.1); short protein forms G378fs, G410fs.
Identifiers: ClinVar variation 4891249 (VCV004891249.1).